The following is an entry in ClinVar:

NM_206538.4(EMC10):c.520dup (p.Glu174fs)

Gene: EMC10 (ER membrane protein complex subunit 10; plus strand). Cytogenetic location: 19q13.33.
Variant type: Duplication.
Coding change: c.520dup on transcript NM_206538.4 (MANE Select); coding-DNA position 520, one base duplicated (G; older notation c.520dupG).
Protein change: p.Glu174fs; shifts the reading frame from glutamic acid 174.
Molecular consequence: frameshift variant.
Genome position (GRCh38, 1-based): chr19:50,480,698, G duplicated; the last of 2 consecutive G bases (chr19:50,480,697-50,480,698); duplicating either gives the same sequence. VCF-style (leftmost placement, unchanged base first): chr19-50480696-T-TG. GRCh37 (hg19) VCF-style: chr19-50983953-T-TG.
Other names: c.520dup, p.Glu174fs (NM_175063.6); short protein forms E174fs.
Identifiers: ClinVar variation 4819270 (VCV004819270.1).
Genomic context (GRCh38, chr19:50,480,696, plus strand): 5'-CCGGCAACGTGGTGGGCGTGTCGGTGGTGACGCACCCCGGGGGCTGCCGGGGCCATGAGG[T>TG]GGAGGACGTGGACCTGGAGCTGTTCAACACCTCGGTGCAGCTGCAGCCGCCCACCACAGC-3'

ClinVar aggregate classification (germline): Likely pathogenic (1 of 4 stars; one submission).

Conditions:
Neurodevelopmental disorder with dysmorphic facies and variable seizures (NEDDFAS). Also called: EMC10-Related Neurodevelopmental Disorder. Identifiers: MedGen C5543268, MONDO:0031011, OMIM 619264.

Submission:

Department of Medical Genetics/Prenatal Diagnostic Center, West China Second University Hospital, Sichuan University
Classification: Likely pathogenic for Neurodevelopmental disorder with dysmorphic facies and variable seizures. Last evaluated: 2026-02-05. Review status: criteria provided, single submitter. Criteria: ACMG Guidelines, 2015. Collection method: clinical testing. Allele origin: maternal. Inheritance: Autosomal recessive inheritance. Affected: yes. Observed: 1 variant allele.
Comment: Variant summary: EMC10 c.520dup is a frameshift variant located in exon 5 of the NM_206538.4 transcript. This variant is predicted to introduce a premature termination codon, resulting in a truncated protein or nonsense-mediated decay. The variant is absent from gnomAD. Based on ACMG/AMP criteria PVS1 and PM2_Supporting, this variant was classified as likely pathogenic.